The following is an entry in ClinVar:

ClinVar aggregate classification (germline): Uncertain significance. Review status: criteria provided, multiple submitters, no conflicts (2 of 4 stars). 5 submissions from 5 submitters: Uncertain significance (5). Last evaluated 2024-03-01.

Conditions:
Emery-Dreifuss muscular dystrophy 4, autosomal dominant (EDMD4). Also called: EMERY-DREIFUSS MUSCULAR DYSTROPHY 4 WITH VARIABLE FEATURES. Identifiers: Orphanet 261, MedGen C2751807, MONDO:0013071, OMIM 612998.
Autosomal recessive ataxia, Beauce type. Also called: SYNE1 Deficiency; SYNE1-Related Autosomal Recessive Cerebellar Ataxia; ATAXIA, RECESSIVE, OF BEAUCE; Spinocerebellar ataxia, autosomal recessive 8. Identifiers: Orphanet 88644, MedGen C1853116, MONDO:0012549, OMIM 610743.

Allele frequency attached by ClinVar (database versions not stated): gnomAD 0.00008 and 0.00013; TOPMed 0.00009; gnomAD exomes 0.00010 and 0.00021; ExAC 0.00012; ESP Exome Variant Server 0.00015; 1000 Genomes Project 30x 0.00016; 1000 Genomes Project 0.00020.
gnomAD v4.1: 325 of 1,614,204 alleles (0.02%); highest among the groups gnomAD compares: South Asian, 0.071%; no homozygotes.

Submissions (5):

CeGaT Center for Human Genetics Tuebingen
Classification: Uncertain significance. Last evaluated: 2024-03-01. Review status: criteria provided, single submitter. Criteria: CeGaT Center For Human Genetics Tuebingen Variant Classification Criteria Version 2. Collection method: clinical testing. Allele origin: germline. Affected: yes. Observed: 1 variant allele.
Comment: SYNE1: PM2

Labcorp Genetics (formerly Invitae), Labcorp
Classification: Uncertain significance for Emery-Dreifuss muscular dystrophy 4, autosomal dominant; Autosomal recessive ataxia, Beauce type. Last evaluated: 2023-11-17. Review status: criteria provided, single submitter. Criteria: Invitae Variant Classification Sherloc (09022015). Collection method: clinical testing. Allele origin: germline.
Comment: This sequence change replaces leucine, which is neutral and non-polar, with proline, which is neutral and non-polar, at codon 3247 of the SYNE1 protein (p.Leu3247Pro). This variant is present in population databases (rs56308121, gnomAD 0.05%). This variant has not been reported in the literature in individuals affected with SYNE1-related conditions. ClinVar contains an entry for this variant (Variation ID: 289566). An algorithm developed to predict the effect of missense changes on protein structure and function (PolyPhen-2) suggests that this variant is likely to be disruptive. In summary, the available evidence is currently insufficient to determine the role of this variant in disease. Therefore, it has been classified as a Variant of Uncertain Significance.

Athena Diagnostics
Classification: Uncertain significance. Last evaluated: 2021-08-17. Review status: criteria provided, single submitter. Criteria: Athena Diagnostics Criteria. Collection method: clinical testing. Allele origin: unknown.

Revvity Omics, Revvity
Classification: Uncertain significance. Last evaluated: 2019-05-29. Review status: criteria provided, single submitter. Criteria: ACMG Guidelines, 2015. Collection method: clinical testing. Allele origin: germline.

Eurofins Ntd Llc (ga)
Classification: Uncertain significance. Last evaluated: 2016-07-25. Review status: criteria provided, single submitter. Criteria: EGL Classification Definitions 2015. Collection method: clinical testing. Allele origin: germline. Observed: 1 variant allele, 1 heterozygote.

NM_182961.4(SYNE1):c.9719T>C (p.Leu3240Pro)

Gene: SYNE1 (spectrin repeat containing nuclear envelope protein 1; minus strand). Cytogenetic location: 6q25.2.
Variant type: single nucleotide variant.
Coding change: c.9719T>C on transcript NM_182961.4 (MANE Select); coding-DNA position 9719, T replaced by C.
Protein change: p.Leu3240Pro; replaces leucine 3240 with proline.
Molecular consequence: missense variant.
Genome position (GRCh38, 1-based): chr6:152,369,060, A>G on the plus strand (T>C on the coding strand, the complement: SYNE1 is on the minus strand). VCF-style: chr6-152369060-A-G. GRCh37 (hg19) VCF-style: chr6-152690195-A-G.
Other names: c.9740T>C, p.Leu3247Pro (NM_033071.5); short protein forms L3247P, L3240P.
Identifiers: ClinVar variation 289566 (VCV000289566.29), dbSNP rs56308121, ClinGen allele CA4057229.